The following is an entry in ClinVar:

ClinVar aggregate classification (germline): Uncertain significance (1 of 4 stars; one submission).

Allele frequency attached by ClinVar (database versions not stated): gnomAD exomes 0.00001 and 0.00002; ExAC 0.00002; TOPMed 0.00002; gnomAD 0.00003.
gnomAD v4.1: 12 of 1,613,712 alleles (0.00074%); highest among the groups gnomAD compares: Admixed American, 0.0017%; no homozygotes.

Submission:

Labcorp Genetics (formerly Invitae), Labcorp
Classification: Uncertain significance. Last evaluated: 2024-11-30. Review status: criteria provided, single submitter. Criteria: Invitae Variant Classification Sherloc (09022015). Collection method: clinical testing. Allele origin: germline.
Comment: This sequence change replaces serine, which is neutral and polar, with asparagine, which is neutral and polar, at codon 356 of the NEK2 protein (p.Ser356Asn). This variant is present in population databases (rs779397609, gnomAD 0.002%). This variant has not been reported in the literature in individuals affected with NEK2-related conditions. ClinVar contains an entry for this variant (Variation ID: 1370262). An algorithm developed to predict the effect of missense changes on protein structure and function outputs the following: PolyPhen-2: "Benign". The asparagine amino acid residue is found in multiple mammalian species, which suggests that this missense change does not adversely affect protein function. In summary, the available evidence is currently insufficient to determine the role of this variant in disease. Therefore, it has been classified as a Variant of Uncertain Significance.

NM_002497.4(NEK2):c.1067G>A (p.Ser356Asn)

Gene: NEK2 (NIMA related kinase 2; minus strand). Cytogenetic location: 1q32.3.
Variant type: single nucleotide variant.
Coding change: c.1067G>A on transcript NM_002497.4 (MANE Select); coding-DNA position 1067, G replaced by A.
Protein change: p.Ser356Asn; replaces serine 356 with asparagine.
Molecular consequence: missense variant.
Genome position (GRCh38, 1-based): chr1:211,667,150, C>T on the plus strand (G>A on the coding strand, the complement: NEK2 is on the minus strand). VCF-style: chr1-211667150-C-T. GRCh37 (hg19) VCF-style: chr1-211840492-C-T.
Other names: c.1067G>A, p.Ser356Asn (NM_001204182.2, NM_001204183.2); short protein forms S356N.
Identifiers: ClinVar variation 1370262 (VCV001370262.6), dbSNP rs779397609, ClinGen allele CA1381516.
Genomic context (GRCh38, chr1:211,667,150, plus strand): 5'-AAGTTGATTCTCATACCTGGATTACTTGCCAGAGACAGGAACTTCCGTTCCTTTAGCAAG[C>T]TGTAGTTCTTCAACAGATTTTCTGCTCTAGCCAGTTTGTCCTCTGCTAGTCTCTCACGAA-3'
Protein context (NP_002488.1, residues 346-366): ARAENLLKNY[Ser356Asn]LLKERKFLSL